The following is an entry in ClinVar:

NM_000540.3(RYR1):c.14488T>C (p.Ser4830Pro)

Gene: RYR1 (ryanodine receptor 1; plus strand). Cytogenetic location: 19q13.2.
Variant type: single nucleotide variant.
Coding change: c.14488T>C on transcript NM_000540.3 (MANE Select); coding-DNA position 14488, T replaced by C.
Protein change: p.Ser4830Pro; replaces serine 4830 with proline.
Molecular consequence: missense variant.
Genome position (GRCh38, 1-based): chr19:38,580,105, T>C. VCF-style: chr19-38580105-T-C. GRCh37 (hg19) VCF-style: chr19-39070745-T-C.
Other names: NM_001042723.2:c.14473T>C; c.14473T>C, p.Ser4825Pro (NM_001042723.2); short protein forms S4825P, S4830P.
Identifiers: ClinVar variation 2412687 (VCV002412687.1), dbSNP rs1568604535, ClinGen allele CA405687369.

ClinVar aggregate classification (germline): Likely pathogenic (1 of 4 stars; one submission).

Conditions:
RYR1-related myopathy. Identifiers: Orphanet 98742, MedGen CN305348, MONDO:0100150.

Submission:

Broad Center for Mendelian Genomics, Broad Institute of MIT and Harvard
Classification: Likely pathogenic for RYR1-related myopathy. Last evaluated: 2023-01-25. Review status: criteria provided, single submitter. Criteria: ACMG Guidelines, 2015. Collection method: curation. Allele origin: germline. Inheritance: Autosomal dominant inheritance.
Comment: Trio exome analysis showed this variant to be de novo. The p.Ser4830Pro variant in RYR1 has not been previously reported in individuals with RYR1-related myopathy. This variant was absent from large population studies. Computational prediction tools and conservation analyses suggest that this variant may impact the protein, though this information is not predictive enough to determine pathogenicity. In summary, although additional studies are required to fully establish its clinical significance, this variant is likely pathogenic for autosomal dominant RYR1-related myopathy. ACMG/AMP Criteria applied: PS2, PM2_Supporting, PP3 (Richards 2015).